The following is an entry in ClinVar:

NM_000540.3(RYR1):c.3955G>T (p.Glu1319Ter)

Gene: RYR1 (ryanodine receptor 1; plus strand). Cytogenetic location: 19q13.2.
Variant type: single nucleotide variant.
Coding change: c.3955G>T on transcript NM_000540.3 (MANE Select); coding-DNA position 3955, G replaced by T.
Protein change: p.Glu1319Ter; replaces glutamic acid 1319 with a stop codon.
Molecular consequence: nonsense.
Genome position (GRCh38, 1-based): chr19:38,473,566, G>T. VCF-style: chr19-38473566-G-T. GRCh37 (hg19) VCF-style: chr19-38964206-G-T.
Other names: c.3955G>T, p.Glu1319Ter (NM_001042723.2); short protein forms E1319*.
Identifiers: ClinVar variation 2841757 (VCV002841757.3), dbSNP rs748809831, ClinGen allele CA405642308.

ClinVar aggregate classification (germline): Pathogenic (1 of 4 stars; one submission).

Conditions:
RYR1-related disorder. Also called: RYR1-related condition; RYR1-related disorders. Identifiers: MedGen CN239331.

Submission:

Labcorp Genetics (formerly Invitae), Labcorp
Classification: Pathogenic for RYR1-related disorder. Last evaluated: 2023-03-01. Review status: criteria provided, single submitter. Criteria: Invitae Variant Classification Sherloc (09022015). Collection method: clinical testing. Allele origin: germline.
Comment: This sequence change creates a premature translational stop signal (p.Glu1319*) in the RYR1 gene. It is expected to result in an absent or disrupted protein product. Loss-of-function variants in RYR1 are known to be pathogenic (PMID: 23919265, 25960145, 28818389, 30611313). This variant is not present in population databases (gnomAD no frequency). This variant has not been reported in the literature in individuals affected with RYR1-related conditions. For these reasons, this variant has been classified as Pathogenic.

Literature cited by the submitters: PubMed 23919265; PubMed 25960145; PubMed 28818389; PubMed 30611313.